The following is an entry in ClinVar:

NM_172364.5(CACNA2D4):c.2645G>C (p.Ser882Thr)

Gene: CACNA2D4 (calcium voltage-gated channel auxiliary subunit alpha2delta 4; minus strand). Cytogenetic location: 12p13.33.
Variant type: single nucleotide variant.
Coding change: c.2645G>C on transcript NM_172364.5 (MANE Select); coding-DNA position 2645, G replaced by C.
Protein change: p.Ser882Thr; replaces serine 882 with threonine.
Molecular consequence: missense variant.
Genome position (GRCh38, 1-based): chr12:1,810,556, C>G on the plus strand (G>C on the coding strand, the complement: CACNA2D4 is on the minus strand). VCF-style: chr12-1810556-C-G. GRCh37 (hg19) VCF-style: chr12-1919722-C-G.
Other names: short protein forms S882T.
Identifiers: ClinVar variation 881642 (VCV000881642.9), dbSNP rs536653523, ClinGen allele CA6386279.
Genomic context (GRCh38, chr12:1,810,556, plus strand): 5'-AGGGCCATGGCTCCCTCCTCCACCTTCCTCACACGGGCAGAACTTACACTGTCCTCGCAG[C>G]TCTGTGTGCACGGCCCATCCACAGTGCTGCACTGGAAGGAAGAGGAGAGACTGAATGTGG-3'
Protein context (NP_758952.4, residues 872-892): CSTVDGPCTQ[Ser882Thr]CEDSDLDCFV

ClinVar aggregate classification (germline): Uncertain significance. Review status: criteria provided, multiple submitters, no conflicts (2 of 4 stars). 2 submissions from 2 submitters: Uncertain significance (2). Last evaluated 2021-11-23.

Conditions:
Retinal cone dystrophy 4 (RCD4). Identifiers: Orphanet 1872, MedGen C1864849, MONDO:0012507, OMIM 610478.

Allele frequency attached by ClinVar (database versions not stated): gnomAD 0.00001; gnomAD exomes 0.00001; ExAC 0.00005; 1000 Genomes Project 30x 0.00016; 1000 Genomes Project 0.00020.
gnomAD v4.1: 19 of 1,553,704 alleles (0.0012%); highest among the groups gnomAD compares: East Asian, 0.046%; no homozygotes.

Submissions (2):

Labcorp Genetics (formerly Invitae), Labcorp
Classification: Uncertain significance. Last evaluated: 2021-11-23. Review status: criteria provided, single submitter. Criteria: Invitae Variant Classification Sherloc (09022015). Collection method: clinical testing. Allele origin: germline.
Comment: This sequence change replaces serine, which is neutral and polar, with threonine, which is neutral and polar, at codon 882 of the CACNA2D4 protein (p.Ser882Thr). This variant is not present in population databases (gnomAD no frequency). This variant has not been reported in the literature in individuals affected with CACNA2D4-related conditions. ClinVar contains an entry for this variant (Variation ID: 881642). Algorithms developed to predict the effect of missense changes on protein structure and function (SIFT, PolyPhen-2, Align-GVGD) all suggest that this variant is likely to be tolerated. In summary, the available evidence is currently insufficient to determine the role of this variant in disease. Therefore, it has been classified as a Variant of Uncertain Significance.

Illumina Laboratory Services, Illumina
Classification: Uncertain significance for Retinal cone dystrophy 4. Last evaluated: 2018-01-12. Review status: criteria provided, single submitter. Criteria: ICSL Variant Classification Criteria 13 December 2019. Collection method: clinical testing. Allele origin: germline.